The following is an entry in ClinVar:

ClinVar aggregate classification (germline): Uncertain significance (1 of 4 stars; one submission).

Conditions:
Dilated cardiomyopathy 1G (CMD1G). Identifiers: Orphanet 154, MedGen C1858763, MONDO:0011400, OMIM 604145.
Autosomal recessive limb-girdle muscular dystrophy type 2J (LGMDR10). Also called: Limb-girdle muscular dystrophy, type 2J; MUSCULAR DYSTROPHY, LIMB-GIRDLE, AUTOSOMAL RECESSIVE 10. Identifiers: Orphanet 140922, MedGen C1837342, MONDO:0012127, OMIM 608807.

Allele frequency attached by ClinVar (database versions not stated): TOPMed below 0.00001.
gnomAD v4.1: 1 of 1,613,884 alleles (0.000062%); highest among the groups gnomAD compares: Admixed American, 0.0017%; no homozygotes.

Submission:

Labcorp Genetics (formerly Invitae), Labcorp
Classification: Uncertain significance for Dilated cardiomyopathy 1G; Autosomal recessive limb-girdle muscular dystrophy type 2J. Last evaluated: 2022-04-03. Review status: criteria provided, single submitter. Criteria: Invitae Variant Classification Sherloc (09022015). Collection method: clinical testing. Allele origin: germline.
Comment: Experimental studies and prediction algorithms are not available or were not evaluated, and the functional significance of this variant is currently unknown. In summary, the available evidence is currently insufficient to determine the role of this variant in disease. Therefore, it has been classified as a Variant of Uncertain Significance. This variant is located in the M band of TTN (PMID: 25589632). Variants in this region may be relevant for neuromuscular disorders, but have not been definitively shown to cause cardiomyopathy (PMID: 23975875). This variant has not been reported in the literature in individuals affected with TTN-related conditions. This variant is not present in population databases (gnomAD no frequency). This sequence change replaces threonine, which is neutral and polar, with isoleucine, which is neutral and non-polar, at codon 34248 of the TTN protein (p.Thr34248Ile).

Literature cited by the submitters: PubMed 25589632; PubMed 23975875.

NM_001267550.2(TTN):c.102743C>T (p.Thr34248Ile)

Genes: TTN-AS1 (TTN antisense RNA 1; plus strand), TTN (titin; minus strand). Cytogenetic location: 2q31.2.
Variant type: single nucleotide variant.
Coding change: c.102743C>T on transcript NM_001267550.2 (MANE Select); coding-DNA position 102743, C replaced by T.
Protein change: p.Thr34248Ile; replaces threonine 34248 with isoleucine.
Molecular consequence: missense variant.
Genome position (GRCh38, 1-based): chr2:178,533,872, G>A on the plus strand (C>T on the coding strand, the complement: TTN is on the minus strand). VCF-style: chr2-178533872-G-A. GRCh37 (hg19) VCF-style: chr2-179398599-G-A.
Other names: c.97820C>T, p.Thr32607Ile (NM_001256850.1); c.75548C>T, p.Thr25183Ile (NM_003319.4); c.95039C>T, p.Thr31680Ile (NM_133378.4); c.75923C>T, p.Thr25308Ile (NM_133432.3); c.76124C>T, p.Thr25375Ile (NM_133437.4); short protein forms T25183I, T25308I, T32607I, T25375I, T31680I, T34248I.
Identifiers: ClinVar variation 1972640 (VCV001972640.5), dbSNP rs755009358, ClinGen allele CA349416850.